The following continues an entry in ClinVar:

NM_000535.7(PMS2):c.1840A>T (p.Lys614Ter)

Gene: PMS2. ClinVar aggregate classification (germline): Pathogenic. Pathogenic (1).

Submissions 9 to 18 of 18:

GeneDx
Classification: Pathogenic. Last evaluated: 2024-03-18. Review status: criteria provided, single submitter. Criteria: GeneDx Variant Classification Process June 2021. Collection method: clinical testing. Allele origin: germline. Affected: yes. Not counted in ClinVar's aggregate classification.
Comment: Nonsense variant predicted to result in protein truncation or nonsense mediated decay in a gene for which loss of function is a known mechanism of disease; Observed in individuals with a personal or family history consistent with pathogenic variants in this gene (PMID: 18809606, 18602922, 25980754); Observed homozygous in an individual with features consistent with constitutional mismatch repair deficiency (CMMR-D) syndrome (PMID: 17993636); Not observed at significant frequency in large population cohorts (gnomAD); Truncating variants in this gene are considered pathogenic by a well-established clinical consortium and/or database; This variant is associated with the following publications: (PMID: 25980754, 21376568, 25856668, 14574005, 22577899, 18809606, 25691505, 18602922, 31447099, 30787465, 33087929, 28888541, 36922933, 17993636)

Quest Diagnostics Nichols Institute San Juan Capistrano
Classification: Pathogenic. Last evaluated: 2024-02-14. Review status: criteria provided, single submitter. Criteria: Quest Diagnostics criteria. Collection method: clinical testing. Allele origin: unknown. Not counted in ClinVar's aggregate classification.
Comment: The PMS2 c.1840A>T (p.Lys614*) variant causes the premature termination of PMS2 protein synthesis. This variant has been reported in the published literature in individuals and families with Lynch syndrome or Lynch-related cancers (PMIDs: 25980754 (2015), 18809606 (2008), 18602922 (2008), 17993636 (2008)), as well as in individuals with ovarian cancer (PMID: 31447099 (2019)) and breast cancer (PMID: 33471991 (2021) see also LOVD). This variant has not been reported in large, multi-ethnic general populations (Genome Aggregation Database). Based on the available information, this variant is classified as pathogenic.

Myriad Genetics, Inc.
Classification: Pathogenic for Lynch syndrome 4. Last evaluated: 2023-09-21. Review status: criteria provided, single submitter. Criteria: Myriad Autosomal Dominant, Autosomal Recessive and X-Linked Classification Criteria (2023). Collection method: clinical testing. Allele origin: unknown. Not counted in ClinVar's aggregate classification.
Comment: This variant is considered pathogenic. This variant creates a termination codon and is predicted to result in premature protein truncation.

Baylor Genetics
Classification: Pathogenic for Lynch syndrome 4. Last evaluated: 2022-11-13. Review status: criteria provided, single submitter. Criteria: ACMG Guidelines, 2015. Collection method: clinical testing. Allele origin: unknown. Not counted in ClinVar's aggregate classification.

Sema4
Classification: Pathogenic for Hereditary cancer-predisposing syndrome. Last evaluated: 2021-02-18. Review status: criteria provided, single submitter. Criteria: Sema4 Curation Guidelines. Collection method: curation. Allele origin: germline. Not counted in ClinVar's aggregate classification.
Comment: The PMS2 c.1840A>T (p.K614X) variant has been reported as heterozygous in at least 4 individuals with Lynch Syndrome related tumors and as homozygous in at least one individual with constitutional mismatch repair deficiency syndrome (PMID: 18602922, 25980754, 25856668, 22577899, 17993636, 22692065, 21376568). Tumors found in these patients exhibit loss of PMS2 protein expression (PMID: 25856668, 17993636, 22692065). This nonsense variant creates a premature stop codon at residue 614 of the PMS2 protein. Loss of function variants in PMS2 are known to be pathogenic (PMID: 24362816). This variant is not reported in the population database Genome Aggregation Database (PMID: 32461654). This variant has been classified as pathogenic by a ClinGen-approved expert panel. Based on the current evidence available, this variant is interpreted as pathogenic.

Women's Health and Genetics/Laboratory Corporation of America, LabCorp
Classification: Pathogenic for Hereditary nonpolyposis colon cancer. Last evaluated: 2020-12-09. Review status: criteria provided, single submitter. Criteria: LabCorp Variant Classification Summary - May 2015. Collection method: clinical testing. Allele origin: germline. Not counted in ClinVar's aggregate classification.
Comment: Variant summary: PMS2 c.1840A>T (p.Lys614X) results in a premature termination codon, predicted to cause a truncation of the encoded protein or absence of the protein due to nonsense mediated decay, which are commonly known mechanisms for disease. Truncations downstream of this position have been classified as pathogenic by our laboratory. The variant was absent in 251450 control chromosomes. c.1840A>T has been reported in the literature in the heterozygous state in individuals affected with Hereditary Nonpolyposis Colorectal Cancer and/or endometrial cancer (e.g. Senter_2008, Gururangan_2008, Yurgelun_2015). The variant has also been reported in the homozygous state in at least one individual affected by constitutional mismatch repair syndrome (e.g. Gururangan_2008). To our knowledge, no experimental evidence demonstrating an impact on protein function has been reported. Seven other clinical diagnostic laboratories have submitted clinical-significance assessments for this variant to ClinVar after 2014 without evidence for independent evaluation. All laboratories cited the variant as pathogenic. Based on the evidence outlined above, the variant was classified as pathogenic.

Laboratory for Molecular Medicine, Mass General Brigham Personalized Medicine
Classification: Pathogenic for Lynch syndrome. Last evaluated: 2019-10-14. Review status: criteria provided, single submitter. Criteria: ACMG Guidelines, 2015. Collection method: clinical testing. Allele origin: germline. Not counted in ClinVar's aggregate classification.
Comment: The p.Lys614X variant in PMS2 has been reported in 4 heterozygous individuals with colon cancer and 2 homozygous individuals with colorectal cancer ad astrocytomas (Yurgelun 2015, Herkert 2011, Senter 2008, Gururangan 2008). It segregated with PMS2-related cancer in one relative (Gururangan 2008). This variant was absent from large population studies and was classified as pathogenic on September 5, 2013 by the ClinGen-approved inSIGHT expert panel (ClinVar ID 91318). This nonsense variant leads to a premature termination codon at position 614, which is predicted to lead to a truncated or absent protein. Loss of function of the PMS2 gene is an established disease mechanism in autosomal dominant Lynch syndrome. In summary, this variant meets criteria to be classified as pathogenic for autosomal dominant Lynch syndrome. ACMG/AMP Criteria applied: PVS1, PM2, PM3, PS4_Supporting.

Human Genome Sequencing Center Clinical Lab, Baylor College of Medicine
Classification: Pathogenic for Hereditary non-polyposis colorectal cancer, type 4. Last evaluated: 2018-08-06. Review status: criteria provided, single submitter. Criteria: ACMG Guidelines, 2015. Collection method: clinical testing. Allele origin: germline. Not counted in ClinVar's aggregate classification.
Comment: The c.1840A>T (p.Lys614*) variant in the PMS2 gene is predicted to introduce a premature translation termination codon. This variant has been reported in multiple unrelated individuals with Lynch Syndrome related tumors (PMID 17993636, 18602922,25980754) or constitutional mismatch repair deficiency syndrome (PMID 17993636). Therefore, this c.1840A>T (p.Lys614*) variant is classified as pathogenic.

CSER _CC_NCGL, University of Washington
Classification: Pathogenic for Lynch syndrome. Last evaluated: 2017-08-01. Review status: criteria provided, single submitter. Criteria: Amendola et al. (Genome Res. 2015). Collection method: research. Allele origin: germline. Affected: yes. Study: CSER - NEXT Medicine variant annotation. Not counted in ClinVar's aggregate classification.
Comment: This interpretation considers GERP score and allele frequency data, in addition to published reports of the variant in the literature, available at the time of review.

Department of Pathology and Laboratory Medicine, Sinai Health System
Classification: Pathogenic. Review status: no assertion criteria provided. Collection method: clinical testing. Allele origin: unknown. Affected: yes. Study: The Canadian Open Genetics Repository (COGR). Not counted in ClinVar's aggregate classification.
Comment: The PMS2 p.Lys614* variant was identified in 2 of 198 proband chromosomes (frequency: 0.01) from individuals or families with colorectal cancer (Senter 2008). The variant was also identified in 3 probands of consanguineous parents with constitutional mismatch repair deficiency syndrome (Baas 2013, Gururangan 2007). The variant was also identified in dbSNP (ID: rs63750490) as "With Pathogenic allele ", ClinVar (classified as Pathogenic by Invitae, Ambry Genetics, GeneDx, InSight and Color), Cosmic (1x in large intestine tissue), Mismatch Repair Genes Variant Database, and in Insight Hereditary Tumors Database (4x), databases. The variant was not identified in the following control databases: the Exome Aggregation Consortium (August 8th 2016), or the Genome Aggregation Database (Feb 27, 2017). The p.Lys614* variant leads to a premature stop codon at position 614, which is predicted to lead to a truncated or absent protein and loss of function. Loss of function variants of the PMS2 gene are an established mechanism of disease in PMS2 associated cancers and is the type of variant expected to cause the disorder. In summary, based on the above information this variant meets our laboratoryâ€šÃ„Ã´s criteria to be classified as pathogenic.

Literature cited by the submitters: PubMed 21376568 (cited by 3 submitters); PubMed 24362816 (cited by Labcorp Genetics (formerly Invitae), Labcorp and Sema4); PubMed 17993636 (cited by 8 submitters); PubMed 18602922 (cited by 8 submitters); PubMed 22577899 (cited by 3 submitters); PubMed 22692065 (cited by 4 submitters); PubMed 25856668 (cited by 7 submitters); PubMed 18809606 (cited by 3 submitters); PubMed 25691505 (cited by All of Us Research Program, National Institutes of Health and Color Diagnostics, LLC DBA Color Health); PubMed 25980754 (cited by 6 submitters); PubMed 33471991 (cited by Quest Diagnostics Nichols Institute San Juan Capistrano); PubMed 31447099 (cited by Quest Diagnostics Nichols Institute San Juan Capistrano); PubMed 25525159 (cited by Quest Diagnostics Nichols Institute San Juan Capistrano).